The following is an entry in ClinVar:

ClinVar aggregate classification (germline): Conflicting classifications of pathogenicity. Review status: criteria provided, conflicting classifications (1 of 4 stars). 8 submissions from 8 submitters: Uncertain significance (5); Likely benign (3). Last evaluated 2026-07-25.

Conditions:
Hereditary nonpolyposis colorectal neoplasms. Identifiers: MedGen C0009405, MeSH D003123.
PMS2-related disorder. Also called: PMS2-related condition.
Hereditary cancer-predisposing syndrome. Also called: Neoplastic Syndromes, Hereditary; Tumor predisposition; Hereditary Cancer Syndrome; Hereditary neoplastic syndrome. Identifiers: Orphanet 140162, MedGen C0027672, MeSH D009386, MONDO:0015356.
Lynch syndrome. Identifiers: Orphanet 144, MedGen C4552100, MONDO:0005835. Disease mechanism: loss of function.
Mismatch repair cancer syndrome 1 (MMRCS1). Also called: BRAIN TUMOR-POLYPOSIS SYNDROME 1; BTP1 SYNDROME; MISMATCH REPAIR DEFICIENCY; MMR DEFICIENCY; CHILDHOOD CANCER SYNDROME. Identifiers: Orphanet 252202, MedGen C5399763, MONDO:0010159, OMIM 276300. Disease mechanism: loss of function.
Lynch syndrome 4 (LYNCH4). Also called: Colorectal cancer, hereditary nonpolyposis, type 4; Hereditary non-polyposis colorectal cancer, type 4. Identifiers: Orphanet 144, MedGen C1838333, MONDO:0013699, OMIM 614337. Disease mechanism: loss of function.

Allele frequency attached by ClinVar (database versions not stated): gnomAD exomes below 0.00001 and 0.00004; gnomAD 0.00001; TOPMed 0.00001; ExAC 0.00006.
gnomAD v4.1: 8 of 1,613,728 alleles (0.0005%); highest among the groups gnomAD compares: East Asian, 0.016%; no homozygotes.

Submissions (8):

PreventionGenetics, part of Exact Sciences
Classification: Uncertain significance for PMS2-related condition. Last evaluated: 2026-07-25. Review status: criteria provided, single submitter. Criteria: ACMG Guidelines, 2015. Collection method: clinical testing. Allele origin: germline.
Comment: The PMS2 c.1928A>G variant is predicted to result in the amino acid substitution p.Gln643Arg. This variant has been reported in a familial Lynch syndrome cohort as a variant of unknown significance (Table S2, Liu et al. 2014. PubMed ID: 24710284). This variant is reported in 0.060% of alleles in individuals of East Asian descent in gnomAD and has conflicting interpretations in ClinVar, ranging from uncertain to likely benign (Variation ID: 411037). At this time, the clinical significance of this variant is uncertain due to the absence of conclusive functional and genetic evidence.

Labcorp Genetics (formerly Invitae), Labcorp
Classification: Uncertain significance for Hereditary nonpolyposis colorectal neoplasms. Last evaluated: 2026-02-03. Review status: criteria provided, single submitter. Criteria: Invitae Variant Classification Sherloc (09022015). Collection method: clinical testing. Allele origin: germline.
Comment: This sequence change replaces glutamine, which is neutral and polar, with arginine, which is basic and polar, at codon 643 of the PMS2 protein (p.Gln643Arg). This variant is present in population databases (rs760629688, gnomAD 0.06%). This missense change has been observed in individual(s) with Lynch syndrome (PMID: 24710284). ClinVar contains an entry for this variant (Variation ID: 411037). Invitae Evidence Modeling incorporating data from in vitro experimental studies (internal data) indicates that this missense variant is not expected to disrupt PMS2 function with a negative predictive value of 95%. In summary, the available evidence is currently insufficient to determine the role of this variant in disease. Therefore, it has been classified as a Variant of Uncertain Significance.

Center for Genomic Medicine, Rigshospitalet, Copenhagen University Hospital
Classification: Uncertain significance. Last evaluated: 2025-12-29. Review status: criteria provided, single submitter. Criteria: ACMG Guidelines, 2015. Collection method: clinical testing. Allele origin: germline.

Color Diagnostics, LLC DBA Color Health
Classification: Likely benign for Hereditary cancer-predisposing syndrome. Last evaluated: 2024-10-17. Review status: criteria provided, single submitter. Criteria: ACMG Guidelines, 2015. Collection method: clinical testing. Allele origin: germline.

All of Us Research Program, National Institutes of Health
Classification: Likely benign for Lynch syndrome. Last evaluated: 2024-05-14. Review status: criteria provided, single submitter. Criteria: ACMG Guidelines, 2015. Collection method: clinical testing. Allele origin: germline. Inheritance: Autosomal dominant inheritance. Observed: 4 variant alleles, 4 heterozygotes.
Comment: This study involves interpretation of variants in research participants for the purpose of population health screening. Participant phenotype was not available at the time of variant classification. Additional details can be found in publication PMID: 35346344, PMCID: PMC8962531

Ambry Genetics
Classification: Likely benign for Hereditary cancer-predisposing syndrome. Last evaluated: 2021-06-11. Review status: criteria provided, single submitter. Criteria: Ambry Variant Classification Scheme 2023. Collection method: clinical testing. Allele origin: germline.

Fulgent Genetics
Classification: Uncertain significance for Mismatch repair cancer syndrome 1; Lynch syndrome 4. Last evaluated: 2018-10-31. Review status: criteria provided, single submitter. Criteria: ACMG Guidelines, 2015. Collection method: clinical testing. Allele origin: unknown.

Genetic Services Laboratory, University of Chicago
Classification: Uncertain significance. Last evaluated: 2018-03-26. Review status: criteria provided, single submitter. Criteria: ACMG Guidelines, 2015. Collection method: clinical testing. Allele origin: germline. Affected: no.

Literature cited by the submitters: PubMed 24710284 (cited by Labcorp Genetics (formerly Invitae), Labcorp and Ambry Genetics); PubMed 33471991 (cited by Ambry Genetics).

NM_000535.7(PMS2):c.1928A>G (p.Gln643Arg)

Gene: PMS2 (PMS1 homolog 2, mismatch repair system component; minus strand). Cytogenetic location: 7p22.1.
Variant type: single nucleotide variant.
Coding change: c.1928A>G on transcript NM_000535.7 (MANE Select); coding-DNA position 1928, A replaced by G.
Protein change: p.Gln643Arg; replaces glutamine 643 with arginine.
Molecular consequence: missense variant. On other transcripts: non-coding transcript variant (1).
Genome position (GRCh38, 1-based): chr7:5,986,837, T>C on the plus strand (A>G on the coding strand, the complement: PMS2 is on the minus strand). VCF-style: chr7-5986837-T-C. GRCh37 (hg19) VCF-style: chr7-6026468-T-C.
Other names: c.1523A>G, p.Gln508Arg (NM_001322003.2, NM_001322004.2, NM_001322005.2 and 1 more transcripts); c.1772A>G, p.Gln591Arg (NM_001322006.2); c.1610A>G, p.Gln537Arg (NM_001322007.2, NM_001322008.2); c.1367A>G, p.Gln456Arg (NM_001322010.2); c.995A>G, p.Gln332Arg (NM_001322011.2, NM_001322012.2); c.1355A>G, p.Gln452Arg (NM_001322013.2); c.1928A>G, p.Gln643Arg (NM_001322014.2); c.1619A>G, p.Gln540Arg (NM_001322015.2); short protein forms Q643R, Q456R, Q508R, Q540R, Q452R, Q332R, Q537R, Q591R.
Identifiers: ClinVar variation 411037 (VCV000411037.30), dbSNP rs760629688, ClinGen allele CA045882.